The following is an entry in ClinVar:

NM_203446.3(SYNJ1):c.3262G>A (p.Ala1088Thr)

Gene: SYNJ1 (synaptojanin 1; minus strand). Cytogenetic location: 21q22.11.
Variant type: single nucleotide variant.
Coding change: c.3262G>A on transcript NM_203446.3 (MANE Select); coding-DNA position 3262, G replaced by A.
Protein change: p.Ala1088Thr; replaces alanine 1088 with threonine.
Molecular consequence: missense variant.
Genome position (GRCh38, 1-based): chr21:32,645,775, C>T on the plus strand (G>A on the coding strand, the complement: SYNJ1 is on the minus strand). VCF-style: chr21-32645775-C-T. GRCh37 (hg19) VCF-style: chr21-34018085-C-T.
Other names: c.3262G>A, p.Ala1088Thr (NM_001160302.2); c.3247G>A, p.Ala1083Thr (NM_001160306.2); c.3379G>A, p.Ala1127Thr (NM_003895.4); short protein forms A1127T, A1088T, A1083T.
Identifiers: ClinVar variation 1904283 (VCV001904283.6), dbSNP rs1250040982, ClinGen allele CA410068565.

ClinVar aggregate classification (germline): Uncertain significance. Review status: criteria provided, multiple submitters, no conflicts (2 of 4 stars). 2 submissions from 2 submitters: Uncertain significance (2). Last evaluated 2024-08-06.

Conditions:
Developmental and epileptic encephalopathy, 53. Also called: Epileptic encephalopathy, early infantile, 53. Identifiers: MedGen C4479313, MONDO:0033362, OMIM 617389.
Early-onset Parkinson disease 20. Also called: PARKINSON DISEASE 20, AUTOSOMAL RECESSIVE EARLY-ONSET. Identifiers: Orphanet 391411, MedGen C3809824, MONDO:0014233, OMIM 615530.

Allele frequency attached by ClinVar (database versions not stated): TOPMed below 0.00001.
gnomAD v4.1: 1 of 1,470,098 alleles (0.000068%); no homozygotes.

Submissions (2):

Blueprint Genetics
Classification: Uncertain significance. Last evaluated: 2024-08-06. Review status: criteria provided, single submitter. Criteria: ACMG Guidelines, 2015. Collection method: clinical testing. Allele origin: germline.

Labcorp Genetics (formerly Invitae), Labcorp
Classification: Uncertain significance for Developmental and epileptic encephalopathy, 53; Early-onset Parkinson disease 20. Last evaluated: 2022-06-29. Review status: criteria provided, single submitter. Criteria: Invitae Variant Classification Sherloc (09022015). Collection method: clinical testing. Allele origin: germline.
Comment: In summary, the available evidence is currently insufficient to determine the role of this variant in disease. Therefore, it has been classified as a Variant of Uncertain Significance. Algorithms developed to predict the effect of missense changes on protein structure and function output the following: SIFT: "Tolerated"; PolyPhen-2: "Benign"; Align-GVGD: "Class C0". The threonine amino acid residue is found in multiple mammalian species, which suggests that this missense change does not adversely affect protein function. This variant has not been reported in the literature in individuals affected with SYNJ1-related conditions. This variant is not present in population databases (gnomAD no frequency). This sequence change replaces alanine, which is neutral and non-polar, with threonine, which is neutral and polar, at codon 1127 of the SYNJ1 protein (p.Ala1127Thr).